The following is an entry in ClinVar:

ClinVar aggregate classification (germline): Uncertain significance (1 of 4 stars; one submission).

Allele frequency attached by ClinVar (database versions not stated): gnomAD exomes below 0.00001.
gnomAD v4.1: 5 of 1,523,268 alleles (0.00033%); highest among the groups gnomAD compares: Non-Finnish European, 0.00044%; no homozygotes.

Submission:

Labcorp Genetics (formerly Invitae), Labcorp
Classification: Uncertain significance. Last evaluated: 2022-10-25. Review status: criteria provided, single submitter. Criteria: Invitae Variant Classification Sherloc (09022015). Collection method: clinical testing. Allele origin: germline.
Comment: In summary, the available evidence is currently insufficient to determine the role of this variant in disease. Therefore, it has been classified as a Variant of Uncertain Significance. Algorithms developed to predict the effect of missense changes on protein structure and function are either unavailable or do not agree on the potential impact of this missense change (SIFT: "Deleterious"; PolyPhen-2: "Probably Damaging"; Align-GVGD: "Class C0"). This variant has not been reported in the literature in individuals affected with ARHGEF18-related conditions. This variant is not present in population databases (gnomAD no frequency). This sequence change replaces glycine, which is neutral and non-polar, with arginine, which is basic and polar, at codon 5 of the ARHGEF18 protein (p.Gly5Arg).

NM_001367823.1(ARHGEF18):c.968-391G>A

Gene: ARHGEF18 (Rho/Rac guanine nucleotide exchange factor 18; plus strand). Cytogenetic location: 19p13.2.
Variant type: single nucleotide variant.
Coding change: c.968-391G>A on transcript NM_001367823.1 (MANE Select); 391 bases into the intron before coding-DNA position 968, G replaced by A.
Molecular consequence: intron variant. On other transcripts: 5 prime UTR variant (1).
Genome position (GRCh38, 1-based): chr19:7,439,953, G>A. VCF-style: chr19-7439953-G-A. GRCh37 (hg19) VCF-style: chr19-7504839-G-A.
Other names: c.-150G>A (NM_001130955.2); c.-226-236G>A (NM_001367824.1); c.-71-391G>A (NM_015318.4).
Identifiers: ClinVar variation 2069468 (VCV002069468.4), dbSNP rs1974518447, ClinGen allele CA403092459.